The following is an entry in ClinVar:

ClinVar aggregate classification (germline): Uncertain significance (1 of 4 stars; one submission).

Conditions:
Postaxial polydactyly-anterior pituitary anomalies-facial dysmorphism syndrome. Also called: Culler-Jones syndrome. Identifiers: Orphanet 420584, MedGen C4014479, MONDO:0014369, OMIM 615849.
Holoprosencephaly 9 (HPE9). Also called: PITUITARY ANOMALIES WITH HOLOPROSENCEPHALY-LIKE FEATURES; HOLOPROSENCEPHALY WITH MICROPHTHALMIA AND FIRST BRANCHIAL ARCH ANOMALIES. Identifiers: Orphanet 2162, MedGen C1835819, MONDO:0012563, OMIM 610829.

Allele frequency attached by ClinVar (database versions not stated): gnomAD exomes below 0.00001.
gnomAD v4.1: 2 of 1,613,448 alleles (0.00012%); highest among the groups gnomAD compares: Admixed American, 0.0017%; no homozygotes.

Submission:

Labcorp Genetics (formerly Invitae), Labcorp
Classification: Uncertain significance for Postaxial polydactyly-anterior pituitary anomalies-facial dysmorphism syndrome; Holoprosencephaly 9. Last evaluated: 2025-08-21. Review status: criteria provided, single submitter. Criteria: Invitae Variant Classification Sherloc (09022015). Collection method: clinical testing. Allele origin: germline.
Comment: This sequence change replaces cysteine, which is neutral and slightly polar, with serine, which is neutral and polar, at codon 640 of the GLI2 protein (p.Cys640Ser). This variant is not present in population databases (gnomAD no frequency). This variant has not been reported in the literature in individuals affected with GLI2-related conditions. ClinVar contains an entry for this variant (Variation ID: 2924358). Invitae Evidence Modeling of protein sequence and biophysical properties (such as structural, functional, and spatial information, amino acid conservation, physicochemical variation, residue mobility, and thermodynamic stability) indicates that this missense variant is not expected to disrupt GLI2 protein function with a negative predictive value of 80%. In summary, the available evidence is currently insufficient to determine the role of this variant in disease. Therefore, it has been classified as a Variant of Uncertain Significance.

NM_001374353.1(GLI2):c.1868G>C (p.Cys623Ser)

Gene: GLI2 (GLI family zinc finger 2; plus strand). Cytogenetic location: 2q14.2.
Variant type: single nucleotide variant.
Coding change: c.1868G>C on transcript NM_001374353.1 (MANE Select); coding-DNA position 1868, G replaced by C.
Protein change: p.Cys623Ser; replaces cysteine 623 with serine.
Molecular consequence: missense variant.
Genome position (GRCh38, 1-based): chr2:120,984,706, G>C. VCF-style: chr2-120984706-G-C. GRCh37 (hg19) VCF-style: chr2-121742282-G-C.
Other names: c.1919G>C, p.Cys640Ser (NM_001371271.1, NM_005270.5); c.1493G>C, p.Cys498Ser (NM_001374354.1); short protein forms C640S, C498S, C623S.
Identifiers: ClinVar variation 2924358 (VCV002924358.3), dbSNP rs894160687, ClinGen allele CA54378227.